The following is an entry in ClinVar:

ClinVar aggregate classification (germline): Uncertain significance (1 of 4 stars; one submission).

gnomAD v4.1: 4 of 1,535,570 alleles (0.00026%); highest among the groups gnomAD compares: Non-Finnish European, 0.00026%; no homozygotes.

Submission:

Women's Health and Genetics/Laboratory Corporation of America, LabCorp
Classification: Uncertain significance. Last evaluated: 2024-12-04. Review status: criteria provided, single submitter. Criteria: LabCorp Variant Classification Summary - May 2015. Collection method: clinical testing. Allele origin: germline.
Comment: Variant summary: PIEZO2 c.2254T>G (p.Tyr752Asp) results in a non-conservative amino acid change in the encoded protein sequence. Three of four in-silico tools predict a damaging effect of the variant on protein function. The variant allele was found at a frequency of 6.9e-06 in 144570 control chromosomes. The available data on variant occurrences in the general population are insufficient to allow any conclusion about variant significance. To our knowledge, no occurrence of c.2254T>G in individuals affected with Arthrogryposis, distal, with impaired proprioception and touch and no experimental evidence demonstrating its impact on protein function have been reported. No submitters have cited clinical-significance assessments for this variant to ClinVar. Based on the evidence outlined above, the variant was classified as uncertain significance.

NM_001378183.1(PIEZO2):c.2254T>G (p.Tyr752Asp)

Gene: PIEZO2 (piezo type mechanosensitive ion channel component 2; minus strand). Cytogenetic location: 18p11.22.
Variant type: single nucleotide variant.
Coding change: c.2254T>G on transcript NM_001378183.1 (MANE Select); coding-DNA position 2254, T replaced by G.
Protein change: p.Tyr752Asp; replaces tyrosine 752 with aspartic acid.
Molecular consequence: missense variant.
Genome position (GRCh38, 1-based): chr18:10,787,100, A>C on the plus strand (T>G on the coding strand, the complement: PIEZO2 is on the minus strand). VCF-style: chr18-10787100-A-C. GRCh37 (hg19) VCF-style: chr18-10787098-A-C.
Other names: c.2254T>G, p.Tyr752Asp (NM_022068.4, NM_001410871.1); short protein forms Y752D.
Identifiers: ClinVar variation 3768288 (VCV003768288.1).